The following is an entry in ClinVar:

NM_001572.5(IRF7):c.637G>C (p.Glu213Gln)

Gene: IRF7 (interferon regulatory factor 7; minus strand). Cytogenetic location: 11p15.5.
Variant type: single nucleotide variant.
Coding change: c.637G>C on transcript NM_001572.5 (MANE Select); coding-DNA position 637, G replaced by C.
Protein change: p.Glu213Gln; replaces glutamic acid 213 with glutamine.
Molecular consequence: missense variant.
Genome position (GRCh38, 1-based): chr11:614,216, C>G on the plus strand (G>C on the coding strand, the complement: IRF7 is on the minus strand). VCF-style: chr11-614216-C-G. GRCh37 (hg19) VCF-style: chr11-614216-C-G.
Other names: c.637G>C, p.Glu213Gln (NM_004029.4); c.676G>C, p.Glu226Gln (NM_004031.4); c.676G>C (NM_004031.2); short protein forms E213Q, E226Q.
Identifiers: ClinVar variation 2166247 (VCV002166247.5), dbSNP rs375250292, ClinGen allele CA5783882.

ClinVar aggregate classification (germline): Uncertain significance. Review status: criteria provided, multiple submitters, no conflicts (2 of 4 stars). 2 submissions from 2 submitters: Uncertain significance (2). Last evaluated 2023-10-13.

Conditions:
Immunodeficiency 39 (IMD39). Identifiers: Orphanet 574918, MedGen C4225358, MONDO:0014597, OMIM 616345.

Allele frequency attached by ClinVar (database versions not stated): ExAC 0.00003; gnomAD 0.00003; ESP Exome Variant Server 0.00008.
gnomAD v4.1: 73 of 1,612,968 alleles (0.0045%); highest among the groups gnomAD compares: Non-Finnish European, 0.0061%; no homozygotes.

Submissions (2):

Labcorp Genetics (formerly Invitae), Labcorp
Classification: Uncertain significance for Immunodeficiency 39. Last evaluated: 2023-10-13. Review status: criteria provided, single submitter. Criteria: Invitae Variant Classification Sherloc (09022015). Collection method: clinical testing. Allele origin: germline.
Comment: This sequence change replaces glutamic acid, which is acidic and polar, with glutamine, which is neutral and polar, at codon 226 of the IRF7 protein (p.Glu226Gln). This variant is present in population databases (rs375250292, gnomAD 0.009%). This variant has not been reported in the literature in individuals affected with IRF7-related conditions. ClinVar contains an entry for this variant (Variation ID: 2166247). Advanced modeling of protein sequence and biophysical properties (such as structural, functional, and spatial information, amino acid conservation, physicochemical variation, residue mobility, and thermodynamic stability) performed at Invitae indicates that this missense variant is not expected to disrupt IRF7 protein function. In summary, the available evidence is currently insufficient to determine the role of this variant in disease. Therefore, it has been classified as a Variant of Uncertain Significance.

Ambry Genetics
Classification: Uncertain significance. Last evaluated: 2022-12-01. Review status: criteria provided, single submitter. Criteria: Ambry Variant Classification Scheme 2023. Collection method: clinical testing. Allele origin: germline.